The following is an entry in ClinVar:

ClinVar aggregate classification (germline): Pathogenic/Likely pathogenic. Review status: criteria provided, multiple submitters, no conflicts (2 of 4 stars). 4 submissions from 4 submitters: Pathogenic (2); Likely pathogenic (2). Last evaluated 2024-12-19.

Conditions:
Bone mineral density quantitative trait locus 1 (BMND1). Identifiers: MedGen C1866079, OMIM 601884.
Exudative vitreoretinopathy 4 (EVR4). Identifiers: Orphanet 891, MedGen C1866176, MONDO:0011151, OMIM 601813.
Autosomal dominant osteopetrosis 1 (OPTA1). Also called: OSTEOPETROSIS, AUTOSOMAL DOMINANT, TYPE I. Identifiers: Orphanet 2783, MedGen C1843330, MONDO:0011877, OMIM 607634.
Worth disease. Also called: ENDOSTEAL HYPEROSTOSIS, AUTOSOMAL DOMINANT; OSTEOSCLEROSIS, AUTOSOMAL DOMINANT; Autosomal dominant osteosclerosis, Worth type. Identifiers: Orphanet 2790, MedGen C0432273, MONDO:0007764, OMIM 144750.
Polycystic liver disease 4 with or without kidney cysts. Identifiers: MedGen C4693479, MONDO:0044327, OMIM 617875.
Osteoporosis with pseudoglioma (OPPG). Also called: osteoporosis-pseudoglioma syndrome. Identifiers: Orphanet 2788, MedGen C0432252, MONDO:0009820, OMIM 259770.

Submissions (4):

Dasa
Classification: Pathogenic. Last evaluated: 2024-12-19. Review status: criteria provided, single submitter. Criteria: DASA Assertion Criteria. Collection method: clinical testing. Allele origin: germline.
Comment: NM_002335.4(LRP5):c.593A>G (p.Asn198Ser) is a missense variant that results in the substitution of asparagine with serine. Segregation evidence has been reported in affected families. Functional evidence supports a deleterious effect on the gene or gene product (PMID: 17052975). This variant has been reported in individuals with related phenotype (PMID: 17052975). The variant is present at low frequency in population datasets. Based on the available data, this variant is classified as pathogenic.

Fulgent Genetics
Classification: Likely pathogenic for Worth disease; Osteoporosis with pseudoglioma; Exudative vitreoretinopathy 4; Bone mineral density quantitative trait locus 1; Autosomal dominant osteopetrosis 1; Polycystic liver disease 4 with or without kidney cysts. Last evaluated: 2024-06-15. Review status: criteria provided, single submitter. Criteria: ACMG Guidelines, 2015. Collection method: clinical testing. Allele origin: germline.

Labcorp Genetics (formerly Invitae), Labcorp
Classification: Pathogenic. Last evaluated: 2023-05-19. Review status: criteria provided, single submitter. Criteria: Invitae Variant Classification Sherloc (09022015). Collection method: clinical testing. Allele origin: germline.
Comment: Advanced modeling of protein sequence and biophysical properties (such as structural, functional, and spatial information, amino acid conservation, physicochemical variation, residue mobility, and thermodynamic stability) performed at Invitae indicates that this missense variant is expected to disrupt LRP5 protein function. ClinVar contains an entry for this variant (Variation ID: 225406). This missense change has been observed in individual(s) with high bone mass (PMID: 15141052, 26348019; Invitae). It has also been observed to segregate with disease in related individuals. This variant is not present in population databases (gnomAD no frequency). This sequence change replaces asparagine, which is neutral and polar, with serine, which is neutral and polar, at codon 198 of the LRP5 protein (p.Asn198Ser). Experimental studies have shown that this missense change affects LRP5 function (PMID: 17052975). For these reasons, this variant has been classified as Pathogenic.

Soonchunhyang University Bucheon Hospital, Soonchunhyang University Medical Center
Classification: Likely pathogenic for Bone mineral density quantitative trait locus 1. Last evaluated: 2016-03-18. Review status: criteria provided, single submitter. Criteria: ACMG Guidelines, 2015. Collection method: reference population. Allele origin: germline. Observed: 1 variant allele.

Literature cited by the submitters: PubMed 17052975 (cited by 3 submitters); PubMed 15141052 (cited by Labcorp Genetics (formerly Invitae), Labcorp and Soonchunhyang University Bucheon Hospital, Soonchunhyang University Medical Center); PubMed 26348019 (cited by Labcorp Genetics (formerly Invitae), Labcorp).

NM_002335.4(LRP5):c.593A>G (p.Asn198Ser)

Gene: LRP5 (LDL receptor related protein 5; plus strand). Cytogenetic location: 11q13.2.
Variant type: single nucleotide variant.
Coding change: c.593A>G on transcript NM_002335.4 (MANE Select); coding-DNA position 593, A replaced by G.
Protein change: p.Asn198Ser; replaces asparagine 198 with serine.
Molecular consequence: missense variant. On other transcripts: 5 prime UTR variant (1).
Genome position (GRCh38, 1-based): chr11:68,357,754, A>G. VCF-style: chr11-68357754-A-G. GRCh37 (hg19) VCF-style: chr11-68125222-A-G.
Other names: c.-1173A>G (NM_001291902.2); short protein forms N198S.
Identifiers: ClinVar variation 225406 (VCV000225406.9), dbSNP rs1085307078, ClinGen allele CA381611849.